The following is an entry in ClinVar:

NM_001377.3(DYNC2H1):c.4099C>T (p.Arg1367Cys)

Gene: DYNC2H1 (dynein cytoplasmic 2 heavy chain 1; plus strand). Cytogenetic location: 11q22.3.
Variant type: single nucleotide variant.
Coding change: c.4099C>T on transcript NM_001377.3 (MANE Select); coding-DNA position 4099, C replaced by T.
Protein change: p.Arg1367Cys; replaces arginine 1367 with cysteine.
Molecular consequence: missense variant.
Genome position (GRCh38, 1-based): chr11:103,156,742, C>T. VCF-style: chr11-103156742-C-T. GRCh37 (hg19) VCF-style: chr11-103027471-C-T.
Other names: c.4099C>T, p.Arg1367Cys (NM_001080463.2); short protein forms R1367C.
Identifiers: ClinVar variation 2858378 (VCV002858378.2), dbSNP rs373078883, ClinGen allele CA6253460.
Genomic context (GRCh38, chr11:103,156,742, plus strand): 5'-AGAAAGTGGGTGTATTTGGAACCCATTTTCGGCCGTGGAGCATTGCCAAAAGAACAGACA[C>T]GCTTCAACAGAGTTGATGAAGATTTTAGGTCAGTACAATGATGTAAGACATAGACACATA-3'
Protein context (NP_001368.2, residues 1357-1377): GRGALPKEQT[Arg1367Cys]FNRVDEDFRS

ClinVar aggregate classification (germline): Uncertain significance (1 of 4 stars; one submission).

Conditions:
Jeune thoracic dystrophy. Also called: Jeune syndrome; Infantile thoracic dystrophy; Thoracic pelvic phalangeal dystrophy; Jeune's syndrome; Chondroectodermal dysplasia-like syndrome; Short-rib thoracic dysplasia. Identifiers: Orphanet 474, MedGen C0265275, MONDO:0018770.

Allele frequency attached by ClinVar (database versions not stated): ExAC 0.00001; TOPMed 0.00005; ESP Exome Variant Server 0.00008.
gnomAD v4.1: 24 of 1,612,162 alleles (0.0015%); highest among the groups gnomAD compares: East Asian, 0.0022%; no homozygotes.

Submission:

Labcorp Genetics (formerly Invitae), Labcorp
Classification: Uncertain significance for Jeune thoracic dystrophy. Last evaluated: 2024-04-19. Review status: criteria provided, single submitter. Criteria: Invitae Variant Classification Sherloc (09022015). Collection method: clinical testing. Allele origin: germline.
Comment: This sequence change replaces arginine, which is basic and polar, with cysteine, which is neutral and slightly polar, at codon 1367 of the DYNC2H1 protein (p.Arg1367Cys). This variant is present in population databases (rs373078883, gnomAD 0.007%). This variant has not been reported in the literature in individuals affected with DYNC2H1-related conditions. Advanced modeling of protein sequence and biophysical properties (such as structural, functional, and spatial information, amino acid conservation, physicochemical variation, residue mobility, and thermodynamic stability) performed at Invitae indicates that this missense variant is expected to disrupt DYNC2H1 protein function with a positive predictive value of 95%. In summary, the available evidence is currently insufficient to determine the role of this variant in disease. Therefore, it has been classified as a Variant of Uncertain Significance.